The following is an entry in ClinVar:

ClinVar aggregate classification (germline): Pathogenic. Review status: criteria provided, multiple submitters, no conflicts (2 of 4 stars). 2 submissions from 2 submitters: Pathogenic (2). Last evaluated 2026-03-10.

Submissions (2):

GeneDx
Classification: Pathogenic. Last evaluated: 2026-03-10. Review status: criteria provided, single submitter. Criteria: GeneDx Variant Classification Process June 2021. Collection method: clinical testing. Allele origin: germline.
Comment: Nonsense variant predicted to result in protein truncation or nonsense mediated decay in a gene for which loss of function is a known mechanism of disease; Not observed at significant frequency in large population cohorts (gnomAD); This variant is associated with the following publications: (PMID: 38664070)

Centre of Medical Genetics, University Hospital Muenster
Classification: Pathogenic. Last evaluated: 2021-12-20. Review status: criteria provided, single submitter. Criteria: ACMG Guidelines, 2015. Collection method: clinical testing. Allele origin: unknown. Affected: yes. Observed: 1 variant allele, 1 heterozygote.
Comment: ACMG categories: PVS1,PM2,PP3

NM_001378418.1(TCF20):c.792C>A (p.Tyr264Ter)

Gene: TCF20 (transcription factor 20; minus strand). Cytogenetic location: 22q13.2.
Variant type: single nucleotide variant.
Coding change: c.792C>A on transcript NM_001378418.1 (MANE Select); coding-DNA position 792, C replaced by A.
Protein change: p.Tyr264Ter; replaces tyrosine 264 with a stop codon.
Molecular consequence: nonsense.
Genome position (GRCh38, 1-based): chr22:42,214,514, G>T on the plus strand (C>A on the coding strand, the complement: TCF20 is on the minus strand). VCF-style: chr22-42214514-G-T. GRCh37 (hg19) VCF-style: chr22-42610520-G-T.
Other names: c.792C>A, p.Tyr264Ter (NM_005650.4, NM_181492.3); c.792C>A (NM_005650.1); short protein forms Y264*.
Identifiers: ClinVar variation 1708365 (VCV001708365.3), dbSNP rs2518242171, ClinGen allele CA411792237.